The following is an entry in ClinVar:

NM_001267550.2(TTN):c.42304G>A (p.Ala14102Thr)

Gene: TTN (titin; minus strand). Cytogenetic location: 2q31.2.
Variant type: single nucleotide variant.
Coding change: c.42304G>A on transcript NM_001267550.2 (MANE Select); coding-DNA position 42304, G replaced by A.
Protein change: p.Ala14102Thr; replaces alanine 14102 with threonine.
Molecular consequence: missense variant.
Genome position (GRCh38, 1-based): chr2:178,634,477, C>T on the plus strand (G>A on the coding strand, the complement: TTN is on the minus strand). VCF-style: chr2-178634477-C-T. GRCh37 (hg19) VCF-style: chr2-179499204-C-T.
Other names: c.34600G>A, p.Ala11534Thr (NM_133378.4); c.37381G>A, p.Ala12461Thr (NM_001256850.1); c.15109G>A, p.Ala5037Thr (NM_003319.4); c.15484G>A, p.Ala5162Thr (NM_133432.3); c.15685G>A, p.Ala5229Thr (NM_133437.4); short protein forms A11534T, A14102T, A5162T, A12461T, A5229T, A5037T.
Identifiers: ClinVar variation 228092 (VCV000228092.7), dbSNP rs72650080, ClinGen allele CA1996104.

ClinVar aggregate classification (germline): Conflicting classifications of pathogenicity. Review status: criteria provided, conflicting classifications (1 of 4 stars). 3 submissions from 3 submitters: Uncertain significance (2); Likely benign (1). Last evaluated 2024-04-18.

Conditions:
Hypertrophic cardiomyopathy 9. Also called: Familial hypertrophic cardiomyopathy 9. Identifiers: MedGen C1861065, MONDO:0013412, OMIM 613765.
Early-onset myopathy with fatal cardiomyopathy (CMYO5). Also called: CONGENITAL MYOPATHY 5 WITH CARDIOMYOPATHY; Salih Myopathy. Identifiers: Orphanet 289377, MedGen C2673677, MONDO:0012714, OMIM 611705. Disease mechanism: loss of function.
Autosomal recessive limb-girdle muscular dystrophy type 2J (LGMDR10). Also called: Limb-girdle muscular dystrophy, type 2J; MUSCULAR DYSTROPHY, LIMB-GIRDLE, AUTOSOMAL RECESSIVE 10. Identifiers: Orphanet 140922, MedGen C1837342, MONDO:0012127, OMIM 608807.
Dilated cardiomyopathy 1G (CMD1G). Identifiers: Orphanet 154, MedGen C1858763, MONDO:0011400, OMIM 604145.
Myopathy, myofibrillar, 9, with early respiratory failure (MFM9). Also called: Hereditary myopathy with early respiratory failure; EDSTROM MYOPATHY; Myopathy, distal, with early respiratory failure, autosomal dominant; MYOPATHY, PROXIMAL, WITH EARLY RESPIRATORY MUSCLE INVOLVEMENT. Identifiers: Orphanet 178464, Orphanet 34521, MedGen C1863599, MONDO:0011362, OMIM 603689.
Tibial muscular dystrophy (TMD). Also called: Udd Distal Myopathy – Tibial Muscular Dystrophy; Tibial muscular dystrophy, tardive; UDD MYOPATHY. Identifiers: Orphanet 609, MedGen C1838244, MONDO:0010870, OMIM 600334.

Allele frequency attached by ClinVar (database versions not stated): gnomAD exomes 0.00001 and 0.00002; ExAC 0.00002; gnomAD 0.00002; TOPMed 0.00004.
gnomAD v4.1: 28 of 1,613,066 alleles (0.0017%); highest among the groups gnomAD compares: East Asian, 0.013%; no homozygotes.

Submissions (3):

Fulgent Genetics
Classification: Uncertain significance for Tibial muscular dystrophy; Myopathy, myofibrillar, 9, with early respiratory failure; Dilated cardiomyopathy 1G; Autosomal recessive limb-girdle muscular dystrophy type 2J; Early-onset myopathy with fatal cardiomyopathy; Hypertrophic cardiomyopathy 9. Last evaluated: 2024-04-18. Review status: criteria provided, single submitter. Criteria: ACMG Guidelines, 2015. Collection method: clinical testing. Allele origin: germline.

Blueprint Genetics
Classification: Uncertain significance. Last evaluated: 2022-12-16. Review status: criteria provided, single submitter. Criteria: ACMG Guidelines, 2015. Collection method: clinical testing. Allele origin: germline.

Laboratory for Molecular Medicine, Mass General Brigham Personalized Medicine
Classification: Likely benign. Last evaluated: 2015-02-16. Review status: criteria provided, single submitter. Criteria: LMM Criteria. Collection method: clinical testing. Allele origin: germline. Observed: 1 variant allele.
Comment: p.Ala11534Thr in exon 179 of TTN: This variant is not expected to have clinical significance due to a lack of conservation across species, including mammals. Of note, 6 mammals (Tibetan antelope, cow, sheep, domestic goat, horse, white rhin oceros) have a threonine (Thr) at this position despite high nearby amino acid c onservation. In addition, computational prediction tools do not suggest a high l ikelihood of impact to the protein.